The following is an entry in ClinVar:

ClinVar aggregate classification (germline): Uncertain significance. Review status: criteria provided, multiple submitters, no conflicts (2 of 4 stars). 2 submissions from 2 submitters: Uncertain significance (2). Last evaluated 2024-12-04.

Conditions:
Inborn genetic diseases. Identifiers: MedGen C0950123, MeSH D030342.

Allele frequency attached by ClinVar (database versions not stated): TOPMed below 0.00001; gnomAD 0.00001; gnomAD exomes 0.00001; ExAC 0.00002.
gnomAD v4.1: 7 of 1,613,586 alleles (0.00043%); highest among the groups gnomAD compares: Admixed American, 0.012%; no homozygotes.

Submissions (2):

Labcorp Genetics (formerly Invitae), Labcorp
Classification: Uncertain significance. Last evaluated: 2024-12-04. Review status: criteria provided, single submitter. Criteria: Invitae Variant Classification Sherloc (09022015). Collection method: clinical testing. Allele origin: germline.
Comment: This sequence change falls in intron 28 of the FLNB gene. It does not directly change the encoded amino acid sequence of the FLNB protein. It affects a nucleotide within the consensus splice site. This variant is present in population databases (rs764513279, gnomAD 0.01%). This variant has not been reported in the literature in individuals affected with FLNB-related conditions. ClinVar contains an entry for this variant (Variation ID: 2228187). Variants that disrupt the consensus splice site are a relatively common cause of aberrant splicing (PMID: 17576681, 9536098). Algorithms developed to predict the effect of sequence changes on RNA splicing suggest that this variant is not likely to affect RNA splicing. In summary, the available evidence is currently insufficient to determine the role of this variant in disease. Therefore, it has been classified as a Variant of Uncertain Significance.

Ambry Genetics
Classification: Uncertain significance for Inborn genetic diseases. Last evaluated: 2020-12-02. Review status: criteria provided, single submitter. Criteria: Ambry Variant Classification Scheme 2023. Collection method: clinical testing. Allele origin: germline.
Comment: The c.4862-3C>T intronic alteration consists of a C to T substitution 3 nucleotides before coding exon 29 in the FLNB gene. Based on insufficient or conflicting evidence, the clinical significance of this alteration remains unclear.

Literature cited by the submitters: PubMed 17576681 (cited by Labcorp Genetics (formerly Invitae), Labcorp); PubMed 9536098 (cited by Labcorp Genetics (formerly Invitae), Labcorp).

NM_001457.4(FLNB):c.4862-3C>T

Gene: FLNB (filamin B; plus strand). Cytogenetic location: 3p14.3.
Variant type: single nucleotide variant.
Coding change: c.4862-3C>T on transcript NM_001457.4 (MANE Select); 3 bases into the intron before coding-DNA position 4862, C replaced by T.
Molecular consequence: intron variant.
Genome position (GRCh38, 1-based): chr3:58,138,279, C>T. VCF-style: chr3-58138279-C-T. GRCh37 (hg19) VCF-style: chr3-58124006-C-T.
Other names: c.4955-3C>T (NM_001164317.2); c.4862-3C>T (NM_001164318.2, NM_001164319.2).
Identifiers: ClinVar variation 2228187 (VCV002228187.4), dbSNP rs764513279, ClinGen allele CA2468901.